The following is an entry in ClinVar:

ClinVar aggregate classification (germline): Uncertain significance (1 of 4 stars; one submission).

Conditions:
Fucosidosis. Also called: ALPHA-L-FUCOSIDASE DEFICIENCY. Identifiers: Orphanet 349, MedGen C0016788, MONDO:0009254, OMIM 230000.

Allele frequency attached by ClinVar (database versions not stated): ExAC 0.00003.
gnomAD v4.1: 23 of 1,614,138 alleles (0.0014%); highest among the groups gnomAD compares: South Asian, 0.019%; no homozygotes.

Submission:

Labcorp Genetics (formerly Invitae), Labcorp
Classification: Uncertain significance for Fucosidosis. Last evaluated: 2022-07-29. Review status: criteria provided, single submitter. Criteria: Invitae Variant Classification Sherloc (09022015). Collection method: clinical testing. Allele origin: germline.
Comment: This sequence change replaces tyrosine, which is neutral and polar, with cysteine, which is neutral and slightly polar, at codon 306 of the FUCA1 protein (p.Tyr306Cys). This variant is present in population databases (rs749790121, gnomAD 0.009%). This variant has not been reported in the literature in individuals affected with FUCA1-related conditions. Algorithms developed to predict the effect of missense changes on protein structure and function are either unavailable or do not agree on the potential impact of this missense change (SIFT: "Deleterious"; PolyPhen-2: "Probably Damaging"; Align-GVGD: "Class C0"). In summary, the available evidence is currently insufficient to determine the role of this variant in disease. Therefore, it has been classified as a Variant of Uncertain Significance.

NM_000147.5(FUCA1):c.917A>G (p.Tyr306Cys)

Gene: FUCA1 (alpha-L-fucosidase 1; minus strand). Cytogenetic location: 1p36.11.
Variant type: single nucleotide variant.
Coding change: c.917A>G on transcript NM_000147.5 (MANE Select); coding-DNA position 917, A replaced by G.
Protein change: p.Tyr306Cys; replaces tyrosine 306 with cysteine.
Molecular consequence: missense variant. On other transcripts: non-coding transcript variant (4).
Genome position (GRCh38, 1-based): chr1:23,854,412, T>C on the plus strand (A>G on the coding strand, the complement: FUCA1 is on the minus strand). VCF-style: chr1-23854412-T-C. GRCh37 (hg19) VCF-style: chr1-24180902-T-C.
Other names: short protein forms Y306C.
Identifiers: ClinVar variation 2082125 (VCV002082125.1), dbSNP rs749790121, ClinGen allele CA686429.